The following is an entry in ClinVar:

NM_001330672.2(LIMCH1):c.1662G>A (p.Pro554=)

Gene: LIMCH1 (LIM and calponin homology domains 1; plus strand). Cytogenetic location: 4p13.
Variant type: single nucleotide variant.
Coding change: c.1662G>A on transcript NM_001330672.2 (MANE Select); coding-DNA position 1662, G replaced by A.
Protein change: p.Pro554=; no amino-acid change (proline 554 retained).
Molecular consequence: synonymous variant. On other transcripts: intron variant (19).
Genome position (GRCh38, 1-based): chr4:41,632,809, G>A. VCF-style: chr4-41632809-G-A. GRCh37 (hg19) VCF-style: chr4-41634826-G-A.
Other names: c.936-6123G>A (NM_001112718.4, NM_001330788.2, NM_001330789.2 and 5 more transcripts); c.936-11691G>A (NM_001289122.3, NM_001330791.2, NM_001330792.2); c.459-6123G>A (NM_001330786.2); c.474-6123G>A (NM_001330982.2, NM_001330983.1, NM_001330793.2 and 1 more transcripts); c.474-11691G>A (NM_001330674.2, NM_001112720.4); c.459-11691G>A (NM_001289124.2).
Identifiers: ClinVar variation 2654740 (VCV002654740.24), dbSNP rs187942563, ClinGen allele CA2900554.

ClinVar aggregate classification (germline): Likely benign (1 of 4 stars; one submission).

Allele frequency attached by ClinVar (database versions not stated): 1000 Genomes Project 0.00100; 1000 Genomes Project 30x 0.00125; TOPMed 0.00422; gnomAD exomes 0.00686; ExAC 0.00764; gnomAD 0.00846.
gnomAD v4.1: 10,736 of 1,536,136 alleles (0.7%); highest among the groups gnomAD compares: Non-Finnish European, 0.69%; 100 homozygotes.

Submission:

CeGaT Center for Human Genetics Tuebingen
Classification: Likely benign. Last evaluated: 2023-02-01. Review status: criteria provided, single submitter. Criteria: CeGaT Center For Human Genetics Tuebingen Variant Classification Criteria Version 2. Collection method: clinical testing. Allele origin: germline. Affected: yes. Observed: 2 variant alleles.
Comment: LIMCH1: BP4, BP7, BS2